The following is an entry in ClinVar:

NM_000260.4(MYO7A):c.2196T>A (p.His732Gln)

Gene: MYO7A (myosin VIIA; plus strand). Cytogenetic location: 11q13.5.
Variant type: single nucleotide variant.
Coding change: c.2196T>A on transcript NM_000260.4 (MANE Select); coding-DNA position 2196, T replaced by A.
Protein change: p.His732Gln; replaces histidine 732 with glutamine.
Molecular consequence: missense variant.
Genome position (GRCh38, 1-based): chr11:77,177,557, T>A. VCF-style: chr11-77177557-T-A. GRCh37 (hg19) VCF-style: chr11-76888603-T-A.
Other names: c.2196T>A, p.His732Gln (NM_001127180.2); c.2163T>A, p.His721Gln (NM_001369365.1); short protein forms H732Q, H721Q.
Identifiers: ClinVar variation 1417808 (VCV001417808.8), dbSNP rs782526818, ClinGen allele CA6197757.

ClinVar aggregate classification (germline): Uncertain significance (1 of 4 stars; one submission).

Allele frequency attached by ClinVar (database versions not stated): ExAC 0.00001.
gnomAD v4.1: 1 of 1,610,684 alleles (0.000062%); highest among the groups gnomAD compares: Non-Finnish European, 0.000085%; no homozygotes.

Submission:

Labcorp Genetics (formerly Invitae), Labcorp
Classification: Uncertain significance. Last evaluated: 2023-07-21. Review status: criteria provided, single submitter. Criteria: Invitae Variant Classification Sherloc (09022015). Collection method: clinical testing. Allele origin: germline.
Comment: This sequence change replaces histidine, which is basic and polar, with glutamine, which is neutral and polar, at codon 732 of the MYO7A protein (p.His732Gln). This variant is present in population databases (rs782526818, gnomAD 0.0009%). In summary, the available evidence is currently insufficient to determine the role of this variant in disease. Therefore, it has been classified as a Variant of Uncertain Significance. Advanced modeling of protein sequence and biophysical properties (such as structural, functional, and spatial information, amino acid conservation, physicochemical variation, residue mobility, and thermodynamic stability) performed at Invitae indicates that this missense variant is not expected to disrupt MYO7A protein function. ClinVar contains an entry for this variant (Variation ID: 1417808). This variant has not been reported in the literature in individuals affected with MYO7A-related conditions.